The following is an entry in ClinVar:

NM_001805.4(CEBPE):c.140A>C (p.Glu47Ala)

Gene: CEBPE (CCAAT enhancer binding protein epsilon; minus strand). Cytogenetic location: 14q11.2.
Variant type: single nucleotide variant.
Coding change: c.140A>C on transcript NM_001805.4 (MANE Select); coding-DNA position 140, A replaced by C.
Protein change: p.Glu47Ala; replaces glutamic acid 47 with alanine.
Molecular consequence: missense variant.
Genome position (GRCh38, 1-based): chr14:23,118,952, T>G on the plus strand (A>C on the coding strand, the complement: CEBPE is on the minus strand). VCF-style: chr14-23118952-T-G. GRCh37 (hg19) VCF-style: chr14-23588161-T-G.
Other names: short protein forms E47A.
Identifiers: ClinVar variation 948272 (VCV000948272.8), dbSNP rs2048524240, ClinGen allele CA388953803.
Genomic context (GRCh38, chr14:23,118,952, plus strand): 5'-CTGGCCTCAGGCGCTGGCTTCACGGCAAAGAGATCGGAGAGAAGCTGCTCTTCCCCAGAC[T>G]CGATGTAGGCGGAGAGGTCAATGGAGGCCTCATGCTCACACATGTCCCCTAGCTCCCCGG-3'
Protein context (NP_001796.2, residues 37-57): EASIDLSAYI[Glu47Ala]SGEEQLLSDL

ClinVar aggregate classification (germline): Uncertain significance (1 of 4 stars; one submission).

Conditions:
Specific granule deficiency. Identifiers: Orphanet 169142, MedGen C0398593, MONDO:0009506.

Submission:

Labcorp Genetics (formerly Invitae), Labcorp
Classification: Uncertain significance for Specific granule deficiency. Last evaluated: 2019-04-24. Review status: criteria provided, single submitter. Criteria: Invitae Variant Classification Sherloc (09022015). Collection method: clinical testing. Allele origin: germline.
Comment: In summary, the available evidence is currently insufficient to determine the role of this variant in disease. Therefore, it has been classified as a Variant of Uncertain Significance. Algorithms developed to predict the effect of missense changes on protein structure and function are either unavailable or do not agree on the potential impact of this missense change (SIFT: "Deleterious"; PolyPhen-2: "Benign"; Align-GVGD: "Class C25"). This variant has not been reported in the literature in individuals with CEBPE-related conditions. This variant is not present in population databases (ExAC no frequency). This sequence change replaces glutamic acid with alanine at codon 47 of the CEBPE protein (p.Glu47Ala). The glutamic acid residue is highly conserved and there is a moderate physicochemical difference between glutamic acid and alanine.